The following is an entry in ClinVar:

NM_004836.7(EIF2AK3):c.350C>T (p.Ala117Val)

Gene: EIF2AK3 (eukaryotic translation initiation factor 2 alpha kinase 3; minus strand). Cytogenetic location: 2p11.2.
Variant type: single nucleotide variant.
Coding change: c.350C>T on transcript NM_004836.7 (MANE Select); coding-DNA position 350, C replaced by T.
Protein change: p.Ala117Val; replaces alanine 117 with valine.
Molecular consequence: missense variant. On other transcripts: 5 prime UTR variant (1).
Genome position (GRCh38, 1-based): chr2:88,613,812, G>A on the plus strand (C>T on the coding strand, the complement: EIF2AK3 is on the minus strand). VCF-style: chr2-88613812-G-A. GRCh37 (hg19) VCF-style: chr2-88913330-G-A.
Other names: c.-104C>T (NM_001313915.2); short protein forms A117V.
Identifiers: ClinVar variation 1937601 (VCV001937601.2), dbSNP rs752117328, ClinGen allele CA1754951.
Genomic context (GRCh38, chr2:88,613,812, plus strand): 5'-AAGGAACCGGATCCCACATCCAAATCCCACTGCTTTTTACCATGATTTTCAGGATCCAAG[G>A]CAGCAATTCTCCCATCTAAAGTGCTGATAATTACTAATGACCTGTAAATATTAAAAATAT-3'
Protein context (NP_004827.4, residues 107-127): IISTLDGRIA[Ala117Val]LDPENHGKKQ

ClinVar aggregate classification (germline): Uncertain significance (1 of 4 stars; one submission).

Allele frequency attached by ClinVar (database versions not stated): gnomAD exomes 0.00001; ExAC 0.00002; gnomAD 0.00003; TOPMed 0.00005.
gnomAD v4.1: 16 of 1,613,670 alleles (0.00099%); highest among the groups gnomAD compares: Middle Eastern, 0.049%; no homozygotes.

Submission:

Labcorp Genetics (formerly Invitae), Labcorp
Classification: Uncertain significance. Last evaluated: 2022-03-29. Review status: criteria provided, single submitter. Criteria: Invitae Variant Classification Sherloc (09022015). Collection method: clinical testing. Allele origin: germline.
Comment: This sequence change replaces alanine, which is neutral and non-polar, with valine, which is neutral and non-polar, at codon 117 of the EIF2AK3 protein (p.Ala117Val). This variant is present in population databases (rs752117328, gnomAD 0.01%). This variant has not been reported in the literature in individuals affected with EIF2AK3-related conditions. Algorithms developed to predict the effect of missense changes on protein structure and function are either unavailable or do not agree on the potential impact of this missense change (SIFT: "Tolerated"; PolyPhen-2: "Probably Damaging"; Align-GVGD: "Class C0"). In summary, the available evidence is currently insufficient to determine the role of this variant in disease. Therefore, it has been classified as a Variant of Uncertain Significance.